The following is an entry in ClinVar:

NM_000687.4(AHCY):c.1020C>T (p.Ala340=)

Gene: AHCY (adenosylhomocysteinase; minus strand). Cytogenetic location: 20q11.22.
Variant type: single nucleotide variant.
Coding change: c.1020C>T on transcript NM_000687.4 (MANE Select); coding-DNA position 1020, C replaced by T.
Protein change: p.Ala340=; no amino-acid change (alanine 340 retained).
Molecular consequence: synonymous variant.
Genome position (GRCh38, 1-based): chr20:34,285,587, G>A on the plus strand (C>T on the coding strand, the complement: AHCY is on the minus strand). VCF-style: chr20-34285587-G-A. GRCh37 (hg19) VCF-style: chr20-32873393-G-A.
Other names: c.936C>T, p.Ala312= (NM_001161766.2, NM_001322084.2, NM_001322085.2); c.1026C>T, p.Ala342= (NM_001322086.2); c.1020C>T, p.Ala340= (NM_001362750.2).
Identifiers: ClinVar variation 3037101 (VCV003037101.2), dbSNP rs372649332, ClinGen allele CA9820797.

ClinVar aggregate classification (germline): Likely benign (0 of 4 stars; one submission).

Conditions:
AHCY-related disorder. Also called: AHCY-related condition.

Allele frequency attached by ClinVar (database versions not stated): ExAC 0.00001; gnomAD exomes 0.00001; gnomAD 0.00005; TOPMed 0.00006; ESP Exome Variant Server 0.00008.
gnomAD v4.1: 14 of 1,613,936 alleles (0.00087%); highest among the groups gnomAD compares: African/African-American, 0.012%; no homozygotes.

Submission:

PreventionGenetics, part of Exact Sciences
Classification: Likely benign for AHCY-related condition. Last evaluated: 2020-07-28. Review status: no assertion criteria provided. Collection method: clinical testing. Allele origin: germline.
Comment: This variant is classified as likely benign based on ACMG/AMP sequence variant interpretation guidelines (Richards et al. 2015 PMID: 25741868, with internal and published modifications).